The following is an entry in ClinVar:

ClinVar aggregate classification (germline): Conflicting classifications of pathogenicity. Review status: criteria provided, conflicting classifications (1 of 4 stars). 5 submissions from 5 submitters: Uncertain significance (1); Benign (1); Likely benign (3). Last evaluated 2026-08-01.

Conditions:
Cardiovascular phenotype. Identifiers: MedGen CN230736.
TTN-related disorder. Also called: TTN-related condition; TTN-related disease; TTN-related disorders.
Autosomal recessive limb-girdle muscular dystrophy type 2J (LGMDR10). Also called: MUSCULAR DYSTROPHY, LIMB-GIRDLE, AUTOSOMAL RECESSIVE 10; Limb-girdle muscular dystrophy, type 2J. Identifiers: Orphanet 140922, MedGen C1837342, MONDO:0012127, OMIM 608807.
Dilated cardiomyopathy 1G (CMD1G). Identifiers: Orphanet 154, MedGen C1858763, MONDO:0011400, OMIM 604145.

Allele frequency attached by ClinVar (database versions not stated): gnomAD 0.00001; gnomAD exomes 0.00003 and 0.00009; TOPMed 0.00005; ExAC 0.00007.
gnomAD v4.1: 41 of 1,613,878 alleles (0.0025%); highest among the groups gnomAD compares: Admixed American, 0.033%; no homozygotes.

Submissions (5):

CeGaT Center for Human Genetics Tuebingen
Classification: Likely benign. Last evaluated: 2026-08-01. Review status: criteria provided, single submitter. Criteria: CeGaT Center For Human Genetics Tuebingen Variant Classification Criteria Version 2. Collection method: clinical testing. Allele origin: germline. Affected: yes. Observed: 5 variant alleles.
Comment: TTN: BP4, BP7

Labcorp Genetics (formerly Invitae), Labcorp
Classification: Likely benign for Dilated cardiomyopathy 1G; Autosomal recessive limb-girdle muscular dystrophy type 2J. Last evaluated: 2025-12-22. Review status: criteria provided, single submitter. Criteria: Invitae Variant Classification Sherloc (09022015). Collection method: clinical testing. Allele origin: germline.

PreventionGenetics, part of Exact Sciences
Classification: Likely benign for TTN-related condition. Last evaluated: 2025-10-17. Review status: criteria provided, single submitter. Criteria: ACMG Guidelines, 2015. Collection method: clinical testing. Allele origin: germline.
Comment: This variant is classified as likely benign based on ACMG/AMP sequence variant interpretation guidelines (Richards et al. 2015 PMID: 25741868, with internal and published modifications).

Ambry Genetics
Classification: Benign for Cardiovascular phenotype. Last evaluated: 2020-07-22. Review status: criteria provided, single submitter. Criteria: Ambry Variant Classification Scheme 2023. Collection method: clinical testing. Allele origin: germline.

Eurofins Ntd Llc (ga)
Classification: Uncertain significance. Last evaluated: 2017-02-27. Review status: criteria provided, single submitter. Criteria: EGL Classification Definitions 2015. Collection method: clinical testing. Allele origin: germline. Observed: 1 variant allele, 1 heterozygote.

NM_001267550.2(TTN):c.6423G>A (p.Val2141=)

Gene: TTN (titin; minus strand). Cytogenetic location: 2q31.2.
Variant type: single nucleotide variant.
Coding change: c.6423G>A on transcript NM_001267550.2 (MANE Select); coding-DNA position 6423, G replaced by A.
Protein change: p.Val2141=; no amino-acid change (valine 2141 retained).
Molecular consequence: synonymous variant.
Genome position (GRCh38, 1-based): chr2:178,775,441, C>T on the plus strand (G>A on the coding strand, the complement: TTN is on the minus strand). VCF-style: chr2-178775441-C-T. GRCh37 (hg19) VCF-style: chr2-179640168-C-T.
Other names: c.6423G>A, p.Val2141= (NM_001256850.1, NM_133378.4, NM_133379.5); c.6285G>A, p.Val2095= (NM_003319.4, NM_133432.3, NM_133437.4).
Identifiers: ClinVar variation 500541 (VCV000500541.36), dbSNP rs768989325, ClinGen allele CA2005051.